The following is an entry in ClinVar:

NM_000053.4(ATP7B):c.1761G>A (p.Thr587=)

Gene: ATP7B (ATPase copper transporting beta; minus strand). Cytogenetic location: 13q14.3.
Variant type: single nucleotide variant.
Coding change: c.1761G>A on transcript NM_000053.4 (MANE Select); coding-DNA position 1761, G replaced by A.
Protein change: p.Thr587=; no amino-acid change (threonine 587 retained).
Molecular consequence: synonymous variant.
Genome position (GRCh38, 1-based): chr13:51,964,980, C>T on the plus strand (G>A on the coding strand, the complement: ATP7B is on the minus strand). VCF-style: chr13-51964980-C-T. GRCh37 (hg19) VCF-style: chr13-52539116-C-T.
Other names: c.1761G>A, p.Thr587= (NM_001005918.3, NM_001330578.2, NM_001330579.2); c.1428G>A, p.Thr476= (NM_001243182.2).
Identifiers: ClinVar variation 1099075 (VCV001099075.11), dbSNP rs764068870, ClinGen allele CA6989230.

ClinVar aggregate classification (germline): Likely benign. Review status: criteria provided, multiple submitters, no conflicts (2 of 4 stars). 2 submissions from 2 submitters: Likely benign (2). Last evaluated 2024-06-17.

Conditions:
Wilson disease (WND). Also called: Wilson's disease. Identifiers: Orphanet 905, MedGen C0019202, MONDO:0010200, OMIM 277900. Disease mechanism: loss of function.

Allele frequency attached by ClinVar (database versions not stated): TOPMed below 0.00001.

Submissions (2):

All of Us Research Program, National Institutes of Health
Classification: Likely benign for Wilson disease. Last evaluated: 2024-06-17. Review status: criteria provided, single submitter. Criteria: ACMG Guidelines, 2015. Collection method: clinical testing. Allele origin: germline. Inheritance: Autosomal recessive inheritance. Observed: 3 variant alleles, 3 heterozygotes.
Comment: This study involves interpretation of variants in research participants for the purpose of population health screening. Participant phenotype was not available at the time of variant classification. Additional details can be found in publication PMID: 35346344, PMCID: PMC8962531

Labcorp Genetics (formerly Invitae), Labcorp
Classification: Likely benign for Wilson disease. Last evaluated: 2022-05-03. Review status: criteria provided, single submitter. Criteria: Invitae Variant Classification Sherloc (09022015). Collection method: clinical testing. Allele origin: germline.